The following is an entry in ClinVar:

NM_007294.4(BRCA1):c.5088G>A (p.Val1696=)

Gene: BRCA1 (BRCA1 DNA repair associated; minus strand). Cytogenetic location: 17q21.31.
Variant type: single nucleotide variant.
Coding change: c.5088G>A on transcript NM_007294.4 (MANE Select); coding-DNA position 5088, G replaced by A.
Protein change: p.Val1696=; no amino-acid change (valine 1696 retained).
Molecular consequence: synonymous variant. On other transcripts: intron variant (2).
Genome position (GRCh38, 1-based): chr17:43,063,938, C>T on the plus strand (G>A on the coding strand, the complement: BRCA1 is on the minus strand). VCF-style: chr17-43063938-C-T. GRCh37 (hg19) VCF-style: chr17-41215955-C-T.
Other names: c.1635G>A, p.Val545= (NM_001408462.1, NM_001408463.1, NM_001408464.1 and 7 more transcripts); c.1632G>A, p.Val544= (NM_001408468.1, NM_001408469.1, NM_001408470.1); c.1776G>A, p.Val592= (NM_001408472.1, NM_007298.4, NM_007299.4 and 13 more transcripts); c.1773G>A, p.Val591= (NM_001408473.1, NM_001408392.1, NM_001408396.1 and 8 more transcripts); c.1578G>A, p.Val526= (NM_001408474.1); c.1575G>A, p.Val525= (NM_001408475.1, NM_001408476.1); c.1569G>A, p.Val523= (NM_001408478.1, NM_001408479.1, NM_001408480.1); c.1566G>A, p.Val522= (NM_001408481.1, NM_001408482.1, NM_001408483.1 and 5 more transcripts); and 73 more.
Identifiers: ClinVar variation 240814 (VCV000240814.19), dbSNP rs878854956, ClinGen allele CA10583552.

ClinVar aggregate classification (germline): Likely benign. Review status: reviewed by expert panel (3 of 4 stars). 4 submissions from 4 submitters: Likely benign (1). 3 of the submissions do not count toward it. Last evaluated 2017-06-29.

Conditions:
Hereditary cancer-predisposing syndrome. Also called: Hereditary Cancer Syndrome; Neoplastic Syndromes, Hereditary; Hereditary neoplastic syndrome; Tumor predisposition. Identifiers: Orphanet 140162, MedGen C0027672, MeSH D009386, MONDO:0015356.
Hereditary breast ovarian cancer syndrome. Also called: Hereditary breast and ovarian cancer syndrome (HBOC); Breast and ovarian cancer; Hereditary breast and ovarian cancer syndrome; Hereditary breast and ovarian cancer; BRCA1- and BRCA2-Associated Hereditary Breast and Ovarian Cancer; Hereditary breast and/or ovarian cancer syndrome. Identifiers: Orphanet 145, MedGen C0677776, MeSH D061325, MONDO:0003582. Disease mechanism: loss of function.
Breast-ovarian cancer, familial, susceptibility to, 1 (BROVCA1). Also called: BRCA1 Hereditary Breast and Ovarian Cancer; OVARIAN CANCER, SUSCEPTIBILITY TO. Identifiers: Orphanet 145, MedGen C2676676, MONDO:0011450, OMIM 604370. Disease mechanism: loss of function.

Allele frequency attached by ClinVar (database versions not stated): gnomAD exomes below 0.00001.

Submissions (5):

Evidence-based Network for the Interpretation of Germline Mutant Alleles (ENIGMA)
Classification: Likely benign for Breast-ovarian cancer, familial, susceptibility to, 1. Last evaluated: 2017-06-29. Review status: reviewed by expert panel. Criteria: ENIGMA BRCA1/2 Classification Criteria (2017-06-29). Collection method: curation. Allele origin: germline.
Comment: Synonymous substitution variant, with low bioinformatic likelihood to result in a splicing aberration (Splicing prior probability 0.02).

Labcorp Genetics (formerly Invitae), Labcorp
Classification: Likely benign for Hereditary breast ovarian cancer syndrome. Last evaluated: 2025-12-01. Review status: criteria provided, single submitter. Criteria: Invitae Variant Classification Sherloc (09022015). Collection method: clinical testing. Allele origin: germline. Not counted in ClinVar's aggregate classification.

Ambry Genetics
Classification: Likely benign for Hereditary cancer-predisposing syndrome. Last evaluated: 2022-05-26. Review status: criteria provided, single submitter. Criteria: Ambry Variant Classification Scheme 2023. Collection method: clinical testing. Allele origin: germline. Not counted in ClinVar's aggregate classification.

GeneDx
Classification: Likely benign. Last evaluated: 2016-02-22. Review status: criteria provided, single submitter. Criteria: GeneDx Variant Classification (06012015). Collection method: clinical testing. Allele origin: germline. Affected: yes. Not counted in ClinVar's aggregate classification.
Comment: This variant is considered likely benign or benign based on one or more of the following criteria: it is a conservative change, it occurs at a poorly conserved position in the protein, it is predicted to be benign by multiple in silico algorithms, and/or has population frequency not consistent with disease.

Brotman Baty Institute, University of Washington
No classification provided (evidence only). Condition: Breast-ovarian cancer, familial 1. Review status: no classification provided. Collection method: in vitro. Allele origin: not applicable. Functional consequence: functionally_normal. Not counted in ClinVar's aggregate classification.
ClinVar note: "not provided" was previously submitted as the classification for the variant. However, the classification appeared to be based only on an observation of functional data so it was converted to no classification on 2025-07-30.